The following is an entry in ClinVar:

NM_001367624.2(ZNF469):c.9649G>A (p.Gly3217Ser)

Gene: ZNF469 (zinc finger protein 469; plus strand). Cytogenetic location: 16q24.2.
Variant type: single nucleotide variant.
Coding change: c.9649G>A on transcript NM_001367624.2 (MANE Select); coding-DNA position 9649, G replaced by A.
Protein change: p.Gly3217Ser; replaces glycine 3217 with serine.
Molecular consequence: missense variant.
Genome position (GRCh38, 1-based): chr16:88,437,119, G>A. VCF-style: chr16-88437119-G-A. GRCh37 (hg19) VCF-style: chr16-88503527-G-A.
Other names: NM_001127464.1:c.9565G>A; short protein forms G3217S.
Identifiers: ClinVar variation 2449474 (VCV002449474.2), dbSNP rs2507603878, ClinGen allele CA397124413.

ClinVar aggregate classification (germline): Uncertain significance (1 of 4 stars; one submission).

Conditions:
Cardiovascular phenotype. Identifiers: MedGen CN230736.

Submission:

Ambry Genetics
Classification: Uncertain significance for Cardiovascular phenotype. Last evaluated: 2023-01-01. Review status: criteria provided, single submitter. Criteria: Ambry Variant Classification Scheme 2023. Collection method: clinical testing. Allele origin: germline.
Comment: The p.G3189S variant (also known as c.9565G>A), located in coding exon 2 of the ZNF469 gene, results from a G to A substitution at nucleotide position 9565. The glycine at codon 3189 is replaced by serine, an amino acid with similar properties. This amino acid position is conserved. In addition, this alteration is predicted to be tolerated by in silico analysis. Since supporting evidence is limited at this time, the clinical significance of this alteration remains unclear.